The following continues an entry in ClinVar:

NM_001065.4(TNFRSF1A):c.123T>G (p.Asp41Glu)

Gene: TNFRSF1A. ClinVar aggregate classification (germline): Conflicting classifications of pathogenicity. Pathogenic (3); Likely pathogenic (12); Likely benign (1).

Submissions 10 to 21 of 21:

Victorian Clinical Genetics Services, Murdoch Childrens Research Institute
Classification: Pathogenic for TNF receptor-associated periodic fever syndrome (TRAPS). Last evaluated: 2022-02-02. Review status: criteria provided, single submitter. Criteria: ACMG Guidelines, 2015. Collection method: clinical testing. Allele origin: germline. Inheritance: Autosomal dominant inheritance. Affected: no.
Comment: Based on the classification scheme VCGS_Germline_v1.3.4, this variant is classified as Pathogenic. Following criteria are met: 0105 - The mechanism of disease for this gene is not clearly established. Missense variants have been demonstrated to increase STAT-mTOR signalling (PMID: 26598380), however, as this protein homotrimerizes dominant negative is also a potential mechanism (PMID: 32380704). (I) 0107 - This gene is associated with autosomal dominant disease. (I) 0112 - The condition associated with this gene has incomplete penetrance. Missense variants that do not impact a cysteine residue are well known to have incomplete penetrance (PMID: 32831641, OMIM). (I) 0200 - Variant is predicted to result in a missense amino acid change from aspartic acid to glutamic acid. (I) 0251 - This variant is heterozygous. (I) 0302 - Variant is present in gnomAD (v2) <0.001 for a dominant condition (44 heterozygotes, 0 homozygotes). (SP) 0309 - An alternative amino acid change at the same position has been observed in gnomAD (v2) (4 heterozygotes, 0 homozygotes). (I) 0503 - Missense variant consistently predicted to be tolerated by multiple in silico tools or not conserved in placental mammals with a minor amino acid change. (SB) 0604 - Variant is not located in an established domain, motif, hotspot or informative constraint region. (I) 0801 - This variant has strong previous evidence of pathogenicity in unrelated individuals. This variant has been reported multiple times as likely pathogenic and pathogenic, and observed in multiple individuals or families with familial periodic fever, idiopathic recurrent acute pericarditis or TNF-receptor-associated periodic syndrome (TRAPS). In one of these individuals, segregation testing proved the variant was de novo (ClinVar, PMID: 23322460, PMID: 32831641, PMID: 23745996). (I) Legend: (SP) - Supporting pathogenic, (I) - Information, (SB) - Supporting benign

MGZ Medical Genetics Center
Classification: Likely pathogenic for TNF receptor-associated periodic fever syndrome (TRAPS). Last evaluated: 2021-10-04. Review status: criteria provided, single submitter. Criteria: ACMG Guidelines, 2015. Collection method: clinical testing. Allele origin: germline. Affected: yes. Observed: 1 variant allele.
Comment: ACMG criteria applied: PS4, PM2_SUP, PP1, PP3

Genome Diagnostics Laboratory, The Hospital for Sick Children
Classification: Likely pathogenic for Autoinflammatory syndrome. Last evaluated: 2021-08-08. Review status: criteria provided, single submitter. Criteria: ACMG Guidelines, 2015. Collection method: clinical testing. Allele origin: germline. Affected: yes.

ARUP Laboratories, Molecular Genetics and Genomics, ARUP Laboratories
Classification: Likely pathogenic. Last evaluated: 2021-04-02. Review status: criteria provided, single submitter. Criteria: ARUP Molecular Germline Variant Investigation Process 2021. Collection method: clinical testing. Allele origin: germline.
Comment: The TNFRSF1A c.123T>G; p.Asp41Glu variant (rs104895271), also published as D12E, is reported in the literature in several individuals affected with periodic fever or inflammatory syndromes (Bozgeyik 2020, Cantarini 2014, D'Osualdo 2006, Lachmann 2014). The variant is reported to segregate with disease in one family (Havla 2013) and developed de novo in another affected individual (Cantarini 2013). The variant is reported in the ClinVar database (Variation ID: 97643) and is listed in the European (non-Finnish) population with an allele frequency of 0.03% (41/128,538 alleles) in the Genome Aggregation Database. The aspartic acid at codon 41 is moderately conserved, but computational analyses are uncertain whether this variant is neutral or deleterious (REVEL: 0.541). Based on available information, this variant is considered to be likely pathogenic, but is associated with a mild phenotype and low penetrance. References: Bozgeyik E et al. Next-generation screening of a panel of genes associated with periodic fever syndromes in patients with Familial Mediterranean Fever and their clinical characteristics. Genomics. 2020 Jul;112(4):2755-2762. Cantarini L et al. The expanding spectrum of low-penetrance TNFRSF1A gene variants in adults presenting with recurrent inflammatory attacks: clinical manifestations and long-term follow-up. Semin Arthritis Rheum. 2014 Jun;43(6):818-23. Cantarini L et al. Expanding spectrum of TNFRSF1A gene mutations among patients with idiopathic recurrent acute pericarditis. Intern Med J. 2013 Jun;43(6):725-7. D'Osualdo A et al. Neutrophils from patients with TNFRSF1A mutations display resistance to tumor necrosis factor-induced apoptosis: pathogenetic and clinical implications. Arthritis Rheum. 2006 Mar;54(3):998-1008. Havla J et al. Symptoms related to tumor necrosis factor receptor 1-associated periodic syndrome, multiple sclerosis, and severe rheumatoid arthritis in patients carrying the TNF receptor superfamily 1A D12E/p.Asp41Glu mutation. J Rheumatol. 2013 Mar;40(3):261-4. Lachmann HJ et al. The phenotype of TNF receptor-associated autoinflammatory syndrome (TRAPS) at presentation: a series of 158 cases from the Eurofever/EUROTRAPS international registry. Ann Rheum Dis. 2014 Dec;73(12):2160-7. Pucino V et al. Differential impact of high and low penetrance TNFRSF1A gene mutations on conventional and regulatory CD4+ T cell functions in TNFR1-associated periodic syndrome. J Leukoc Biol. 2016 May;99(5):761-9.

Laboratorio de Genetica e Diagnostico Molecular, Hospital Israelita Albert Einstein
Classification: Likely pathogenic for TNF receptor-associated periodic fever syndrome (TRAPS). Last evaluated: 2021-02-16. Review status: criteria provided, single submitter. Criteria: ACMG Guidelines, 2015. Collection method: clinical testing. Allele origin: germline. Affected: yes.
Comment: ACMG classification criteria: PS4 moderate, PM6, PP1 moderate, PP4 supporting

Illumina Laboratory Services, Illumina
Classification: Pathogenic for TNF receptor-associated periodic fever syndrome (TRAPS). Last evaluated: 2018-08-15. Review status: criteria provided, single submitter. Criteria: ICSL Variant Classification Criteria 09 May 2019. Collection method: clinical testing. Allele origin: germline.
Comment: The TNFRSF1A c.123T>G (p.Asp41Glu) missense variant, also known as D12E, has been reported in at least four studies in which it is found in a heterozygous state in at least nine individuals with familial periodic fever (FPF) with widely variable symptoms (D'Osualdo et al. 2006; Cantarini et al. 2009; Cantarini et al. 2013; Havla et al. 2013; Lachmann et al. 2014). In two of these affected individuals, the p.Asp41Glu variant was not detected in the parents and is reported as de novo (Cantarini et al. 2009; Cantarini et al. 2013) while Havla et al. (2013), report two unrelated probands with a family history of FPF-related symptoms. An additional individual with a clinical history of periodic fever was reported to carry the p.Asp41Glu variant in the heterozygous state and a missense variant in the MEFV gene in the homozygous status, and was diagnosed with familial Mediterranean fever, highlighting the extensive overlap in clinical manifestations between these two conditions (Gattorno et al. 2008). Of note, not all known genes associated with periodic fever were assessed in these affected individuals. Control data are unavailable for this variant, which is reported at a frequency of 0.00033 in the European (non-Finnish) population of the Genome Aggregation Database. Based on the evidence, the p.Asp41Glu variant is classified as likely pathogenic for familial periodic fever. This variant was observed by ICSL as part of a predisposition screen in an ostensibly healthy population.

Ambry Genetics
Classification: Likely pathogenic for Inborn genetic diseases. Last evaluated: 2016-04-29. Review status: criteria provided, single submitter. Criteria: Ambry exome assertion method (8-5-2015). Collection method: clinical testing. Allele origin: germline. Affected: yes. Observed: 1 variant allele.

Genomics And Bioinformatics Analysis Resource, Columbia University
Classification: Likely pathogenic for TNF receptor-associated periodic fever syndrome (TRAPS). Review status: no assertion criteria provided. Collection method: research. Allele origin: unknown. Affected: yes. Not counted in ClinVar's aggregate classification.

Unité médicale des maladies autoinflammatoires, CHRU Montpellier
No classification provided. Condition: TNF receptor-associated periodic fever syndrome (TRAPS). Review status: no classification provided. Collection method: not provided. Allele origin: unknown. Not counted in ClinVar's aggregate classification.

Clinical Genetics DNA and cytogenetics Diagnostics Lab, Erasmus MC, Erasmus Medical Center
Classification: Uncertain significance. Review status: flagged submission. Collection method: clinical testing. Allele origin: germline. Affected: yes. Study: VKGL Data-share Consensus. Not counted in ClinVar's aggregate classification.
ClinVar note: Reason: Outlier claim with insufficient supporting evidence

Diagnostic Laboratory, Department of Genetics, University Medical Center Groningen
Classification: Uncertain significance. Review status: flagged submission. Collection method: clinical testing. Allele origin: germline. Affected: yes. Study: VKGL Data-share Consensus. Not counted in ClinVar's aggregate classification.
ClinVar note: Reason: Outlier claim with insufficient supporting evidence

Genome Diagnostics Laboratory, University Medical Center Utrecht
Classification: Uncertain significance. Review status: flagged submission. Collection method: clinical testing. Allele origin: germline. Affected: yes. Study: VKGL Data-share Consensus. Not counted in ClinVar's aggregate classification.
ClinVar note: Reason: Outlier claim with insufficient supporting evidence

Literature cited by the submitters: PubMed 16508982 (cited by 3 submitters); PubMed 23322460 (cited by 4 submitters); PubMed 24393624 (cited by Labcorp Genetics (formerly Invitae), Labcorp and Women's Health and Genetics/Laboratory Corporation of America, LabCorp); PubMed 35753512 (cited by Labcorp Genetics (formerly Invitae), Labcorp and Women's Health and Genetics/Laboratory Corporation of America, LabCorp); PubMed 26598380 (cited by 3 submitters); PubMed 30476936 (cited by Women's Health and Genetics/Laboratory Corporation of America, LabCorp); PubMed 33165748 (cited by Women's Health and Genetics/Laboratory Corporation of America, LabCorp); PubMed 23745996 (cited by 3 submitters); PubMed 18512793 (cited by Women's Health and Genetics/Laboratory Corporation of America, LabCorp and Illumina Laboratory Services, Illumina); PubMed 38057357 (cited by Women's Health and Genetics/Laboratory Corporation of America, LabCorp); PubMed 32380704 (cited by Victorian Clinical Genetics Services, Murdoch Childrens Research Institute); PubMed 32831641 (cited by Victorian Clinical Genetics Services, Murdoch Childrens Research Institute); PubMed 19917181 (cited by Illumina Laboratory Services, Illumina); PubMed 23965844 (cited by Illumina Laboratory Services, Illumina).